The following is an entry in ClinVar:

NM_000052.7(ATP7A):c.1141A>G (p.Ile381Val)

Gene: ATP7A (ATPase copper transporting alpha; plus strand). Cytogenetic location: Xq21.1.
Variant type: single nucleotide variant.
Coding change: c.1141A>G on transcript NM_000052.7 (MANE Select); coding-DNA position 1141, A replaced by G.
Protein change: p.Ile381Val; replaces isoleucine 381 with valine.
Molecular consequence: missense variant.
Genome position (GRCh38, 1-based): chrX:77,989,763, A>G. VCF-style: chrX-77989763-A-G. GRCh37 (hg19) VCF-style: chrX-77245259-A-G.
Other names: c.1141A>G, p.Ile381Val (NM_001282224.2); c.1141A>G (NM_000052.4); short protein forms I381V.
Identifiers: ClinVar variation 1588319 (VCV001588319.9), dbSNP rs1349223430, ClinGen allele CA413601899.

ClinVar aggregate classification (germline): Conflicting classifications of pathogenicity. Review status: criteria provided, conflicting classifications (1 of 4 stars). 2 submissions from 2 submitters: Uncertain significance (1); Likely benign (1). Last evaluated 2025-08-24.

Conditions:
Menkes kinky-hair syndrome (MNK). Also called: Copper transport disease; Menkes Disease; Classic Menkes Disease. Identifiers: Orphanet 565, MedGen C0022716, MONDO:0010651, OMIM 309400.
Cutis laxa, X-linked (OHS). Also called: Occipital horn syndrome; EDS IX. Identifiers: Orphanet 198, MedGen C0268353, MONDO:0010572, OMIM 304150.
X-linked distal spinal muscular atrophy type 3. Also called: ATP7A-Related Distal Motor Neuropathy; SPINAL MUSCULAR ATROPHY, DISTAL, X-LINKED RECESSIVE; NEURONOPATHY, DISTAL HEREDITARY MOTOR, X-LINKED; NEUROPATHY, DISTAL HEREDITARY MOTOR, X-LINKED. Identifiers: Orphanet 139557, MedGen C1845359, MONDO:0010338, OMIM 300489.

Allele frequency attached by ClinVar (database versions not stated): gnomAD 0.00001; gnomAD exomes 0.00001 and 0.00002; TOPMed 0.00002.

Submissions (2):

Labcorp Genetics (formerly Invitae), Labcorp
Classification: Likely benign for X-linked distal spinal muscular atrophy type 3; Cutis laxa, X-linked; Menkes kinky-hair syndrome. Last evaluated: 2025-08-24. Review status: criteria provided, single submitter. Criteria: Invitae Variant Classification Sherloc (09022015). Collection method: clinical testing. Allele origin: germline.

GeneDx
Classification: Uncertain significance. Last evaluated: 2023-03-07. Review status: criteria provided, single submitter. Criteria: GeneDx Variant Classification Process June 2021. Collection method: clinical testing. Allele origin: germline. Affected: yes.
Comment: Not observed at significant frequency in large population cohorts (gnomAD); In silico analysis supports that this missense variant does not alter protein structure/function; Has not been previously published as pathogenic or benign to our knowledge